The following is an entry in ClinVar:

NM_001005373.4(LRSAM1):c.2089C>T (p.Gln697Ter)

Gene: LRSAM1 (leucine rich repeat and sterile alpha motif containing 1; plus strand). Cytogenetic location: 9q34.11.
Variant type: single nucleotide variant.
Coding change: c.2089C>T on transcript NM_001005373.4 (MANE Select); coding-DNA position 2089, C replaced by T.
Protein change: p.Gln697Ter; replaces glutamine 697 with a stop codon.
Molecular consequence: nonsense. On other transcripts: non-coding transcript variant (2).
Genome position (GRCh38, 1-based): chr9:127,502,816, C>T. VCF-style: chr9-127502816-C-T. GRCh37 (hg19) VCF-style: chr9-130265095-C-T.
Other names: c.2089C>T, p.Gln697Ter (NM_001005374.4, NM_001384142.1, NM_138361.5); c.2008C>T, p.Gln670Ter (NM_001190723.3); c.1990C>T, p.Gln664Ter (NM_001384143.1); c.1300C>T, p.Gln434Ter (NM_001384144.1); short protein forms Q697*, Q434*, Q670*, Q664*.
Identifiers: ClinVar variation 1458236 (VCV001458236.10), dbSNP rs961918637, ClinGen allele CA374938757.

ClinVar aggregate classification (germline): Pathogenic (1 of 4 stars; one submission).

Conditions:
Charcot-Marie-Tooth disease axonal type 2P. Also called: CHARCOT-MARIE-TOOTH DISEASE, AXONAL, TYPE 2G; CMT 2G; Charcot-Marie-Tooth Neuropathy Type 2G; CHARCOT-MARIE-TOOTH NEUROPATHY, TYPE 2P. Identifiers: Orphanet 300319, Orphanet 99941, MedGen C3280797, MONDO:0013753, OMIM 614436.

Submission:

Labcorp Genetics (formerly Invitae), Labcorp
Classification: Pathogenic for Charcot-Marie-Tooth disease axonal type 2P. Last evaluated: 2021-01-16. Review status: criteria provided, single submitter. Criteria: Invitae Variant Classification Sherloc (09022015). Collection method: clinical testing. Allele origin: germline.
Comment: For these reasons, this variant has been classified as Pathogenic. This sequence change creates a premature translational stop signal (p.Gln697*) in the LRSAM1 gene. While this is not anticipated to result in nonsense mediated decay, it is expected to disrupt the last 27 amino acid(s) of the LRSAM1 protein. This variant is not present in population databases (ExAC no frequency). This variant has not been reported in the literature in individuals with LRSAM1-related conditions. This variant disrupts the region of the LRSAM1 protein between p.Cys694Arg and p.Leu708Argfs*28. This region has been determined to be associated with autosomal dominant LRSAM1-related conditions (PMID: 27615052, 27164712, 22012984), which suggests that variants that occur in this region are likely to be clinically significant.

Literature cited by the submitters: PubMed 27615052 (cited by Labcorp Genetics (formerly Invitae), Labcorp); PubMed 27164712 (cited by Labcorp Genetics (formerly Invitae), Labcorp); PubMed 22012984 (cited by Labcorp Genetics (formerly Invitae), Labcorp).